The following is an entry in ClinVar:

ClinVar aggregate classification (germline): Conflicting classifications of pathogenicity. Review status: criteria provided, conflicting classifications (1 of 4 stars). 18 submissions from 14 submitters: Uncertain significance (10); Benign (2); Likely benign (6). Last evaluated 2025-05-28.

Conditions:
TTN-related disorder. Also called: TTN-related condition; TTN-related disease; TTN-related disorders.
Cardiovascular phenotype. Identifiers: MedGen CN230736.
Myopathy, myofibrillar, 9, with early respiratory failure (MFM9). Also called: Hereditary myopathy with early respiratory failure; EDSTROM MYOPATHY; MYOPATHY, PROXIMAL, WITH EARLY RESPIRATORY MUSCLE INVOLVEMENT; Myopathy, distal, with early respiratory failure, autosomal dominant. Identifiers: Orphanet 178464, Orphanet 34521, MedGen C1863599, MONDO:0011362, OMIM 603689.
Autosomal recessive limb-girdle muscular dystrophy type 2J (LGMDR10). Also called: Limb-girdle muscular dystrophy, type 2J; MUSCULAR DYSTROPHY, LIMB-GIRDLE, AUTOSOMAL RECESSIVE 10. Identifiers: Orphanet 140922, MedGen C1837342, MONDO:0012127, OMIM 608807.
Early-onset myopathy with fatal cardiomyopathy (CMYO5). Also called: Salih Myopathy; CONGENITAL MYOPATHY 5 WITH CARDIOMYOPATHY. Identifiers: Orphanet 289377, MedGen C2673677, MONDO:0012714, OMIM 611705. Disease mechanism: loss of function.
Hypertrophic cardiomyopathy 9. Also called: Familial hypertrophic cardiomyopathy 9. Identifiers: MedGen C1861065, MONDO:0013412, OMIM 613765.
Dilated cardiomyopathy 1G (CMD1G). Identifiers: Orphanet 154, MedGen C1858763, MONDO:0011400, OMIM 604145.
Tibial muscular dystrophy (TMD). Also called: Tibial muscular dystrophy, tardive; UDD MYOPATHY; Udd Distal Myopathy – Tibial Muscular Dystrophy. Identifiers: Orphanet 609, MedGen C1838244, MONDO:0010870, OMIM 600334.
Cardiomyopathy (CMYO). Also called: Cardiomyopathies. Identifiers: Orphanet 167848, MedGen C0878544, MONDO:0004994, HP:0001638. Inheritance: Various modes of inheritance.

Allele frequency attached by ClinVar (database versions not stated): gnomAD exomes 0.00017 and 0.00045; gnomAD 0.00025 and 0.00026; TOPMed 0.00029; ESP Exome Variant Server 0.00042.
gnomAD v4.1: 680 of 1,613,686 alleles (0.042%); highest among the groups gnomAD compares: Non-Finnish European, 0.055%; no homozygotes.

Submissions (18):

Women's Health and Genetics/Laboratory Corporation of America, LabCorp
Classification: Likely benign. Last evaluated: 2025-05-28. Review status: criteria provided, single submitter. Criteria: LabCorp Variant Classification Summary - May 2015. Collection method: clinical testing. Allele origin: germline.
Comment: Variant summary: TTN c.84338C>A (p.Ala28113Asp) results in a non-conservative amino acid change in the encoded protein sequence. Algorithms developed to predict the effect of missense changes on protein structure and function are either unavailable or do not agree on the potential impact of this missense change. The variant allele was found at a frequency of 0.00042 in 1613686 control chromosomes, predominantly at a frequency of 0.00055 within the Non-Finnish European subpopulation in the gnomAD database. The observed variant frequency within Non-Finnish European control individuals in the gnomAD database is approximately 1.4 fold of the estimated maximal expected allele frequency for a pathogenic variant in TTN causing Dilated Cardiomyopathy phenotype (0.00039). c.84338C>A has been observed in at least one individual affected with Dilated Cardiomyopathy, without strong evidence for causality (Haas_2015). This report does not provide unequivocal conclusions about association of the variant with Dilated Cardiomyopathy. To our knowledge, no experimental evidence demonstrating an impact on protein function has been reported. The following publication has been ascertained in the context of this evaluation (PMID: 25163546). ClinVar contains an entry for this variant (Variation ID: 47518). Based on the evidence outlined above, the variant was classified as likely benign.

PreventionGenetics, part of Exact Sciences
Classification: Likely benign for TTN-related condition. Last evaluated: 2025-05-22. Review status: criteria provided, single submitter. Criteria: ACMG Guidelines, 2015. Collection method: clinical testing. Allele origin: germline.
Comment: This variant is classified as likely benign based on ACMG/AMP sequence variant interpretation guidelines (Richards et al. 2015 PMID: 25741868, with internal and published modifications).

Revvity Omics, Revvity
Classification: Uncertain significance. Last evaluated: 2025-01-19. Review status: criteria provided, single submitter. Criteria: ACMG Guidelines, 2015. Collection method: clinical testing. Allele origin: germline.

Blueprint Genetics
Classification: Likely benign. Last evaluated: 2024-09-22. Review status: criteria provided, single submitter. Criteria: ACMG Guidelines, 2015. Collection method: clinical testing. Allele origin: germline.

CHEO Genetics Diagnostic Laboratory, Children's Hospital of Eastern Ontario
Classification: Likely benign for Cardiomyopathy. Last evaluated: 2022-11-01. Review status: criteria provided, single submitter. Criteria: ACMG Guidelines, 2015. Collection method: clinical testing. Allele origin: germline.

Department of Pathology and Laboratory Medicine, Sinai Health System
Classification: Uncertain significance for Tibial muscular dystrophy; Myopathy, myofibrillar, 9, with early respiratory failure; Dilated cardiomyopathy 1G; Autosomal recessive limb-girdle muscular dystrophy type 2J; Early-onset myopathy with fatal cardiomyopathy; Hypertrophic cardiomyopathy 9. Last evaluated: 2022-02-07. Review status: criteria provided, single submitter. Criteria: ACMG Guidelines, 2015. Collection method: research. Allele origin: germline.

Ambry Genetics
Classification: Likely benign for Cardiovascular phenotype. Last evaluated: 2021-08-10. Review status: criteria provided, single submitter. Criteria: Ambry Variant Classification Scheme 2023. Collection method: clinical testing. Allele origin: germline.

GeneDx
Classification: Likely benign. Last evaluated: 2020-10-15. Review status: criteria provided, single submitter. Criteria: GeneDx Variant Classification Process June 2021. Collection method: clinical testing. Allele origin: germline. Affected: yes.
Comment: This variant is associated with the following publications: (PMID: 25163546, 23861362)

Mayo Clinic Laboratories, Mayo Clinic
Classification: Uncertain significance. Last evaluated: 2020-03-11. Review status: criteria provided, single submitter. Criteria: ACMG Guidelines, 2015. Collection method: clinical testing. Allele origin: germline. Observed: 1 variant allele.

Eurofins Ntd Llc (ga)
Classification: Uncertain significance. Last evaluated: 2018-06-01. Review status: criteria provided, single submitter. Criteria: EGL ClinVar v180209 classification definitions. Collection method: clinical testing. Allele origin: germline. Observed: 4 variant alleles, 4 heterozygotes.

Illumina Laboratory Services, Illumina
Classification: Uncertain significance for Dilated cardiomyopathy 1G. Last evaluated: 2018-01-13. Review status: criteria provided, single submitter. Criteria: ICSL Variant Classification Criteria 13 December 2019. Collection method: clinical testing. Allele origin: germline.

Illumina Laboratory Services, Illumina
Classification: Uncertain significance for Autosomal recessive limb-girdle muscular dystrophy type 2J. Last evaluated: 2018-01-13. Review status: criteria provided, single submitter. Criteria: ICSL Variant Classification Criteria 13 December 2019. Collection method: clinical testing. Allele origin: germline.

Illumina Laboratory Services, Illumina
Classification: Benign for Tibial muscular dystrophy. Last evaluated: 2018-01-13. Review status: criteria provided, single submitter. Criteria: ICSL Variant Classification Criteria 13 December 2019. Collection method: clinical testing. Allele origin: germline.
Comment: This variant was observed in the ICSL laboratory as part of a predisposition screen in an ostensibly healthy population. It had not been previously curated by ICSL or reported in the Human Gene Mutation Database (HGMD: prior to June 1st, 2018), and was therefore a candidate for classification through an automated scoring system. Utilizing variant allele frequency, disease prevalence and penetrance estimates, and inheritance mode, an automated score was calculated to assess if this variant is too frequent to cause the disease. Based on the score and internal cut-off values, a variant classified as benign is not then subjected to further curation. The score for this variant resulted in a classification of benign for this disease.

Illumina Laboratory Services, Illumina
Classification: Uncertain significance for Early-onset myopathy with fatal cardiomyopathy. Last evaluated: 2018-01-13. Review status: criteria provided, single submitter. Criteria: ICSL Variant Classification Criteria 13 December 2019. Collection method: clinical testing. Allele origin: germline.

Illumina Laboratory Services, Illumina
Classification: Benign for Myopathy, myofibrillar, 9, with early respiratory failure. Last evaluated: 2018-01-13. Review status: criteria provided, single submitter. Criteria: ICSL Variant Classification Criteria 13 December 2019. Collection method: clinical testing. Allele origin: germline.
Comment: the same text as in the submission from Illumina Laboratory Services, Illumina above.

Labcorp Genetics (formerly Invitae), Labcorp
Classification: Uncertain significance for Dilated cardiomyopathy 1G; Autosomal recessive limb-girdle muscular dystrophy type 2J. Last evaluated: 2017-11-17. Review status: criteria provided, single submitter. Criteria: Invitae Variant Classification Sherloc (09022015). Collection method: clinical testing. Allele origin: germline.

Laboratory for Molecular Medicine, Mass General Brigham Personalized Medicine
Classification: Uncertain significance. Last evaluated: 2015-02-17. Review status: criteria provided, single submitter. Criteria: LMM Criteria. Collection method: clinical testing. Allele origin: germline. Observed: 1 variant allele.
Comment: proposed classification - variant undergoing re-assessment, contact laboratory

Biesecker Lab/Clinical Genomics Section, National Institutes of Health
Classification: Uncertain significance. Last evaluated: 2013-06-24. Review status: criteria provided, single submitter. Criteria: Ng et al. (Circ Cardiovasc Genet. 2013). Collection method: research. Allele origin: unknown. Observed: 1 variant allele. Study: ClinSeq.
Comment: The study set was not selected for affection status in relation to any cancer. Pathogenicity categories were based on literature curation. See Pubmed ID:23861362 for details.

Medical sequencing

Literature cited by the submitters: PubMed 25163546 (cited by Women's Health and Genetics/Laboratory Corporation of America, LabCorp and Ambry Genetics).

NM_001267550.2(TTN):c.92042C>A (p.Ala30681Asp)

Genes: TTN (titin; minus strand), TTN-AS1 (TTN antisense RNA 1; plus strand). Cytogenetic location: 2q31.2.
Variant type: single nucleotide variant.
Coding change: c.92042C>A on transcript NM_001267550.2 (MANE Select); coding-DNA position 92042, C replaced by A.
Protein change: p.Ala30681Asp; replaces alanine 30681 with aspartic acid.
Molecular consequence: missense variant.
Genome position (GRCh38, 1-based): chr2:178,549,680, G>T on the plus strand (C>A on the coding strand, the complement: TTN is on the minus strand). VCF-style: chr2-178549680-G-T. GRCh37 (hg19) VCF-style: chr2-179414407-G-T.
Other names: p.A29040D:GCC>GAC; c.87119C>A, p.Ala29040Asp (NM_001256850.1); c.84338C>A, p.Ala28113Asp (NM_133378.4); c.64847C>A, p.Ala21616Asp (NM_003319.4); c.65222C>A, p.Ala21741Asp (NM_133432.3); c.65423C>A, p.Ala21808Asp (NM_133437.4); short protein forms A30681D, A28113D, A29040D, A21741D, A21616D, A21808D.
Identifiers: ClinVar variation 47518 (VCV000047518.29), dbSNP rs201400267, ClinGen allele CA141246.